The following is an entry in ClinVar:

ClinVar aggregate classification (germline): Uncertain significance. Review status: criteria provided, multiple submitters, no conflicts (2 of 4 stars). 2 submissions from 2 submitters: Uncertain significance (2). Last evaluated 2025-07-28.

Conditions:
Familial thoracic aortic aneurysm and aortic dissection (TAAD). Also called: Thoracic aortic aneurysms and dissections. Identifiers: Orphanet 91387, MedGen C4707243, MONDO:0019625.
Marfan syndrome (MFS). Also called: MARFAN SYNDROME, TYPE I; Marfan syndrome type 1; Marfan's syndrome; Marfan syndrome, classic; FBN1-Related Marfan Syndrome. Identifiers: Orphanet 284963, Orphanet 558, MedGen C0024796, MONDO:0007947, OMIM 154700.

Allele frequency attached by ClinVar (database versions not stated): gnomAD exomes 0.00001.
gnomAD v4.1: 5 of 1,613,694 alleles (0.00031%); highest among the groups gnomAD compares: Non-Finnish European, 0.00042%; no homozygotes.

Submissions (2):

Color Diagnostics, LLC DBA Color Health
Classification: Uncertain significance for Familial thoracic aortic aneurysm and aortic dissection. Last evaluated: 2025-07-28. Review status: criteria provided, single submitter. Criteria: ACMG Guidelines, 2015. Collection method: clinical testing. Allele origin: germline.
Comment: This missense variant replaces valine with isoleucine at codon 2172 of the FBN1 protein. Computational prediction suggests that this variant may not impact protein structure and function. To our knowledge, functional studies have not been reported for this variant. This variant has not been reported in individuals affected with FBN1-related disorders in the literature. This variant has not been identified in the general population by the Genome Aggregation Database (gnomAD). The available evidence is insufficient to determine the role of this variant in disease conclusively. Therefore, this variant is classified as a Variant of Uncertain Significance.

Labcorp Genetics (formerly Invitae), Labcorp
Classification: Uncertain significance for Marfan syndrome; Familial thoracic aortic aneurysm and aortic dissection. Last evaluated: 2021-10-06. Review status: criteria provided, single submitter. Criteria: Invitae Variant Classification Sherloc (09022015). Collection method: clinical testing. Allele origin: germline.
Comment: This sequence change replaces valine with isoleucine at codon 2172 of the FBN1 protein (p.Val2172Ile). The valine residue is moderately conserved and there is a small physicochemical difference between valine and isoleucine. This variant is not present in population databases (ExAC no frequency). This variant has not been reported in the literature in individuals affected with FBN1-related conditions. Advanced modeling of protein sequence and biophysical properties (such as structural, functional, and spatial information, amino acid conservation, physicochemical variation, residue mobility, and thermodynamic stability) performed at Invitae indicates that this missense variant is not expected to disrupt FBN1 protein function. In summary, the available evidence is currently insufficient to determine the role of this variant in disease. Therefore, it has been classified as a Variant of Uncertain Significance.

NM_000138.5(FBN1):c.6514G>A (p.Val2172Ile)

Gene: FBN1 (fibrillin 1; minus strand). Cytogenetic location: 15q21.1.
Variant type: single nucleotide variant.
Coding change: c.6514G>A on transcript NM_000138.5 (MANE Select); coding-DNA position 6514, G replaced by A.
Protein change: p.Val2172Ile; replaces valine 2172 with isoleucine.
Molecular consequence: missense variant.
Genome position (GRCh38, 1-based): chr15:48,434,696, C>T on the plus strand (G>A on the coding strand, the complement: FBN1 is on the minus strand). VCF-style: chr15-48434696-C-T. GRCh37 (hg19) VCF-style: chr15-48726893-C-T.
Other names: short protein forms V2172I.
Identifiers: ClinVar variation 1520849 (VCV001520849.4), dbSNP rs1243025749, ClinGen allele CA392335232.